The following is an entry in ClinVar:

ClinVar aggregate classification (germline): Uncertain significance. Review status: criteria provided, multiple submitters, no conflicts (2 of 4 stars). 4 submissions from 4 submitters: Uncertain significance (4). Last evaluated 2025-04-09.

Conditions:
Early-infantile DEE. Also called: Ohtahara syndrome; Early infantile epileptic encephalopathy with suppression bursts; Early infantile epileptic encephalopathy. Identifiers: Orphanet 1934, MedGen C0393706, MONDO:0800491.
Seizures, benign familial infantile, 5 (BFIS5). Also called: CONVULSIONS, BENIGN FAMILIAL INFANTILE, 5. Identifiers: Orphanet 306, MedGen C4310728, MONDO:0014903, OMIM 617080.
Developmental and epileptic encephalopathy, 13 (DEE13). Also called: Developmental and Epileptic Encephalopathy (SCN8A-DEE); Early infantile epileptic encephalopathy 13; SCN8A-Related Epilepsy. Identifiers: Orphanet 442835, MedGen C3281191, MONDO:0013801, OMIM 614558.
Myoclonus, familial, 2. Identifiers: MedGen C5193056, MONDO:0100092, OMIM 618364.
Cognitive impairment with or without cerebellar ataxia (CIAT). Identifiers: MedGen C3280415, MONDO:0013680, OMIM 614306.
Inborn genetic diseases. Identifiers: MedGen C0950123, MeSH D030342.

Allele frequency attached by ClinVar (database versions not stated): gnomAD 0.00001; gnomAD exomes 0.00001 and 0.00004; ExAC 0.00001; TOPMed 0.00002.
gnomAD v4.1: 54 of 1,613,490 alleles (0.0033%); highest among the groups gnomAD compares: East Asian, 0.0045%; no homozygotes.

Submissions (4):

Women's Health and Genetics/Laboratory Corporation of America, LabCorp
Classification: Uncertain significance. Last evaluated: 2025-04-09. Review status: criteria provided, single submitter. Criteria: LabCorp Variant Classification Summary - May 2015. Collection method: clinical testing. Allele origin: germline.
Comment: Variant summary: SCN8A c.3136G>A (p.Ala1046Thr) results in a non-conservative amino acid change in the encoded protein sequence. Three of five in-silico tools predict a damaging effect of the variant on protein function. The variant allele was found at a frequency of 1.2e-05 in 248068 control chromosomes. The available data on variant occurrences in the general population are insufficient to allow any conclusion about variant significance. To our knowledge, no occurrence of c.3136G>A in individuals affected with Early Infantile Epileptic Encephalopathy 13 and no experimental evidence demonstrating its impact on protein function have been reported. ClinVar contains an entry for this variant (Variation ID: 1371411). Based on the evidence outlined above, the variant was classified as uncertain significance.

Ambry Genetics
Classification: Uncertain significance for Inborn genetic diseases. Last evaluated: 2022-11-17. Review status: criteria provided, single submitter. Criteria: Ambry Variant Classification Scheme 2023. Collection method: clinical testing. Allele origin: germline.

Labcorp Genetics (formerly Invitae), Labcorp
Classification: Uncertain significance for Early-infantile DEE. Last evaluated: 2022-08-22. Review status: criteria provided, single submitter. Criteria: Invitae Variant Classification Sherloc (09022015). Collection method: clinical testing. Allele origin: germline.
Comment: This sequence change replaces alanine, which is neutral and non-polar, with threonine, which is neutral and polar, at codon 1046 of the SCN8A protein (p.Ala1046Thr). In summary, the available evidence is currently insufficient to determine the role of this variant in disease. Therefore, it has been classified as a Variant of Uncertain Significance. Algorithms developed to predict the effect of missense changes on protein structure and function are either unavailable or do not agree on the potential impact of this missense change (SIFT: "Deleterious"; PolyPhen-2: "Benign"; Align-GVGD: "Class C0"). ClinVar contains an entry for this variant (Variation ID: 1371411). This variant has not been reported in the literature in individuals affected with SCN8A-related conditions. This variant is present in population databases (rs775833241, gnomAD 0.003%).

Fulgent Genetics
Classification: Uncertain significance for Cognitive impairment with or without cerebellar ataxia; Developmental and epileptic encephalopathy, 13; Seizures, benign familial infantile, 5; Myoclonus, familial, 2. Last evaluated: 2021-11-08. Review status: criteria provided, single submitter. Criteria: ACMG Guidelines, 2015. Collection method: clinical testing. Allele origin: unknown.

NM_001330260.2(SCN8A):c.3136G>A (p.Ala1046Thr)

Gene: SCN8A (sodium voltage-gated channel alpha subunit 8; plus strand). Cytogenetic location: 12q13.13.
Variant type: single nucleotide variant.
Coding change: c.3136G>A on transcript NM_001330260.2 (MANE Select); coding-DNA position 3136, G replaced by A.
Protein change: p.Ala1046Thr; replaces alanine 1046 with threonine.
Molecular consequence: missense variant.
Genome position (GRCh38, 1-based): chr12:51,769,099, G>A. VCF-style: chr12-51769099-G-A. GRCh37 (hg19) VCF-style: chr12-52162883-G-A.
Other names: c.3136G>A, p.Ala1046Thr (NM_001177984.3, NM_001369788.1, NM_014191.4); c.3136G>A (NM_014191.2); short protein forms A1046T.
Identifiers: ClinVar variation 1371411 (VCV001371411.13), dbSNP rs775833241, ClinGen allele CA6571550.
Genomic context (GRCh38, chr12:51,769,099, plus strand): 5'-CGTGAGGCTGATGAGGTGAAGCCTCTGGATGAGTTGTATGAAAAGAAGGCCAACTGTATC[G>A]CCAATCACACCGGTGCAGACATCCACCGGAATGGTGACTTCCAGAAGAATGGCAATGGCA-3'
Protein context (NP_001317189.1, residues 1036-1056): ELYEKKANCI[Ala1046Thr]NHTGADIHRN